The following is an entry in ClinVar:

ClinVar aggregate classification (germline): Uncertain significance. Review status: criteria provided, multiple submitters, no conflicts (2 of 4 stars). 6 submissions from 6 submitters: Uncertain significance (6). Last evaluated 2026-09-22.

Conditions:
PKP2-related disorder. Also called: PKP2-related condition.
Arrhythmogenic right ventricular cardiomyopathy (ARVD). Also called: Cardiomyopathy, ARVC; Arrhythmogenic right ventricular dysplasia; Arrhythmogenic cardiomyopathy; Arrhythmogenic Right Ventricular Cardiomyopathy (ARVC). Identifiers: Orphanet 247, MedGen C0349788, MeSH D019571, MONDO:0016587. Disease mechanism: loss of function. Inheritance: Various modes of inheritance.
Arrhythmogenic right ventricular dysplasia 9 (ARVD9). Also called: ARRHYTHMOGENIC RIGHT VENTRICULAR DYSPLASIA, FAMILIAL, 9; Arrhythmogenic Right Ventricular Dysplasia/Cardiomyopathy 9. Identifiers: MedGen C1836906, MONDO:0012180, OMIM 609040.
Cardiomyopathy (CMYO). Also called: Cardiomyopathies. Identifiers: Orphanet 167848, MedGen C0878544, MONDO:0004994, HP:0001638. Inheritance: Various modes of inheritance.
Cardiovascular phenotype. Identifiers: MedGen CN230736.

Allele frequency attached by ClinVar (database versions not stated): gnomAD exomes below 0.00001 and 0.00003; ExAC 0.00001; gnomAD 0.00001; TOPMed 0.00001.
gnomAD v4.1: 48 of 1,597,646 alleles (0.003%); highest among the groups gnomAD compares: Non-Finnish European, 0.0039%; no homozygotes.

Submissions (6):

PreventionGenetics, part of Exact Sciences
Classification: Uncertain significance for PKP2-related condition. Last evaluated: 2026-09-22. Review status: criteria provided, single submitter. Criteria: ACMG Guidelines, 2015. Collection method: clinical testing. Allele origin: germline.
Comment: The PKP2 c.250C>T variant is predicted to result in the amino acid substitution p.Pro84Ser. This variant has been reported in one individual from a dilated cardiomyopathy cohort but has also been detected in healthy controls (Table S3 and table S4, Mazzarotto et al. 2020. PubMed ID: 31983221). This variant is reported in 0.00088% of alleles in individuals of European (Non-Finnish) descent in gnomAD. At this time, the clinical significance of this variant is uncertain due to the absence of conclusive functional and genetic evidence.

Color Diagnostics, LLC DBA Color Health
Classification: Uncertain significance for Cardiomyopathy. Last evaluated: 2025-04-01. Review status: criteria provided, single submitter. Criteria: ACMG Guidelines, 2015. Collection method: clinical testing. Allele origin: germline.
Comment: This missense variant replaces proline with serine at codon 84 of the PKP2 protein. Computational prediction tool is inconclusive regarding the impact of this variant on protein structure and function. To our knowledge, functional studies have not been reported for this variant. This variant has been reported in an individual affected with dilated cardiomyopathy and in a healthy control individual (PMID: 31983221). This variant has been identified in 1/251406 chromosomes in the general population by the Genome Aggregation Database (gnomAD). The available evidence is insufficient to determine the role of this variant in disease conclusively. Therefore, this variant is classified as a Variant of Uncertain Significance.

Labcorp Genetics (formerly Invitae), Labcorp
Classification: Uncertain significance for Arrhythmogenic right ventricular dysplasia 9. Last evaluated: 2024-11-13. Review status: criteria provided, single submitter. Criteria: Invitae Variant Classification Sherloc (09022015). Collection method: clinical testing. Allele origin: germline.
Comment: This sequence change replaces proline, which is neutral and non-polar, with serine, which is neutral and polar, at codon 84 of the PKP2 protein (p.Pro84Ser). This variant is present in population databases (rs756468173, gnomAD 0.0009%). This variant has not been reported in the literature in individuals affected with PKP2-related conditions. ClinVar contains an entry for this variant (Variation ID: 378367). An algorithm developed to predict the effect of missense changes on protein structure and function (PolyPhen-2) suggests that this variant is likely to be disruptive. In summary, the available evidence is currently insufficient to determine the role of this variant in disease. Therefore, it has been classified as a Variant of Uncertain Significance.

Ambry Genetics
Classification: Uncertain significance for Cardiovascular phenotype. Last evaluated: 2024-08-22. Review status: criteria provided, single submitter. Criteria: Ambry Variant Classification Scheme 2023. Collection method: clinical testing. Allele origin: germline.
Comment: The p.P84S variant (also known as c.250C>T), located in coding exon 2 of the PKP2 gene, results from a C to T substitution at nucleotide position 250. The proline at codon 84 is replaced by serine, an amino acid with similar properties. This variant has been detected in an individual from a dilated cardiomyopathy cohort, and in a healthy control; however, details were limited (Mazzarotto F et al. Circulation, 2020 Feb;141:387-398). This amino acid position is highly conserved in available vertebrate species. In addition, the in silico prediction for this alteration is inconclusive. Based on the available evidence, the clinical significance of this variant remains unclear.

All of Us Research Program, National Institutes of Health
Classification: Uncertain significance for Arrhythmogenic right ventricular cardiomyopathy. Last evaluated: 2023-12-18. Review status: criteria provided, single submitter. Criteria: ACMG Guidelines, 2015. Collection method: clinical testing. Allele origin: germline. Inheritance: Autosomal dominant inheritance. Observed: 2 variant alleles, 2 heterozygotes.
Comment: This missense variant replaces proline with serine at codon 84 of the PKP2 protein. Computational prediction is inconclusive regarding the impact of this variant on protein structure and function (internally defined REVEL score threshold 0.5 < inconclusive < 0.7, PMID: 27666373). Splice site prediction tools suggest that this variant may not impact RNA splicing. To our knowledge, functional studies have not been reported for this variant. This variant has not been reported in individuals affected with cardiovascular disorders in the literature. This variant has been identified in 1/251406 chromosomes in the general population by the Genome Aggregation Database (gnomAD). The available evidence is insufficient to determine the role of this variant in disease conclusively. Therefore, this variant is classified as a Variant of Uncertain Significance.

This study involves interpretation of variants in research participants for the purpose of population health screening. Participant phenotype was not available at the time of variant classification. Additional details can be found in publication PMID: 35346344, PMCID: PMC8962531

GeneDx
Classification: Uncertain significance. Last evaluated: 2016-10-24. Review status: criteria provided, single submitter. Criteria: GeneDx Variant Classification (06012015). Collection method: clinical testing. Allele origin: germline. Affected: yes.
Comment: A variant of uncertain significance has been identified in the PKP2 gene. The P84S variant has not been published as a pathogenic variant, nor has it been reported as a benign variant to our knowledge. The P84S variant was not observed in approximately 6500 individuals of European and African American ancestry in the NHLBI Exome Sequencing Project, indicating it is not a common benign variant in these populations. The P84S variant is a non-conservative amino acid substitution, which is likely to impact secondary protein structure as these residues differ in polarity, charge, size and/or other properties, and this substitution occurs at a position that is conserved across species. Additionally, the majority of in silico algorithims (2 out of 3) predict this variant is probably damaging to the protein structure/function.

Literature cited by the submitters: PubMed 31983221 (cited by Color Diagnostics, LLC DBA Color Health and Ambry Genetics).

NM_001005242.3(PKP2):c.250C>T (p.Pro84Ser)

Gene: PKP2 (plakophilin 2; minus strand). Cytogenetic location: 12p11.21.
Variant type: single nucleotide variant.
Coding change: c.250C>T on transcript NM_001005242.3 (MANE Select); coding-DNA position 250, C replaced by T.
Protein change: p.Pro84Ser; replaces proline 84 with serine.
Molecular consequence: missense variant.
Genome position (GRCh38, 1-based): chr12:32,879,006, G>A on the plus strand (C>T on the coding strand, the complement: PKP2 is on the minus strand). VCF-style: chr12-32879006-G-A. GRCh37 (hg19) VCF-style: chr12-33031940-G-A.
Other names: c.250C>T, p.Pro84Ser (NM_004572.4); short protein forms P84S.
Identifiers: ClinVar variation 378367 (VCV000378367.17), dbSNP rs756468173, ClinGen allele CA035712.